The following is an entry in ClinVar:

ClinVar aggregate classification (germline): Uncertain significance. Review status: criteria provided, single submitter (1 of 4 stars). 2 submissions from 2 submitters: Uncertain significance (1). 1 of the submissions does not count toward it. Last evaluated 2024-01-22.

Conditions:
Retinitis pigmentosa 73 (RP73). Identifiers: Orphanet 791, MedGen C4225287, MONDO:0014687, OMIM 616544.
Mucopolysaccharidosis, MPS-III-C (MPS3C). Also called: SANFILIPPO SYNDROME C; mucopolysaccharidosis type 3C; Mucopolysaccharidosis type IIIC (Sanfilippo C); MPS IIIC (Sanfilippo Syndrome Type C); MUCOPOLYSACCHARIDOSIS, TYPE IIIC; MPS III C. Identifiers: Orphanet 581, Orphanet 79271, MedGen C0086649, MONDO:0009657, OMIM 252930.

Allele frequency attached by ClinVar (database versions not stated): TOPMed 0.00001.
gnomAD v4.1: 19 of 1,608,100 alleles (0.0012%); highest among the groups gnomAD compares: Middle Eastern, 0.016%; no homozygotes.

Submissions (2):

Labcorp Genetics (formerly Invitae), Labcorp
Classification: Uncertain significance for Retinitis pigmentosa 73; Mucopolysaccharidosis, MPS-III-C. Last evaluated: 2024-01-22. Review status: criteria provided, single submitter. Criteria: Invitae Variant Classification Sherloc (09022015). Collection method: clinical testing. Allele origin: germline.
Comment: This sequence change replaces proline, which is neutral and non-polar, with serine, which is neutral and polar, at codon 575 of the HGSNAT protein (p.Pro575Ser). This variant is present in population databases (rs754143732, gnomAD 0.003%). This variant has not been reported in the literature in individuals affected with HGSNAT-related conditions. ClinVar contains an entry for this variant (Variation ID: 843331). Advanced modeling of protein sequence and biophysical properties (such as structural, functional, and spatial information, amino acid conservation, physicochemical variation, residue mobility, and thermodynamic stability) has been performed at Invitae for this missense variant, however the output from this modeling did not meet the statistical confidence thresholds required to predict the impact of this variant on HGSNAT protein function. In summary, the available evidence is currently insufficient to determine the role of this variant in disease. Therefore, it has been classified as a Variant of Uncertain Significance.

Natera, Inc.
Classification: Uncertain significance for Mucopolysaccharidosis type IIIC. Last evaluated: 2020-01-28. Review status: no assertion criteria provided. Collection method: clinical testing. Allele origin: germline. Not counted in ClinVar's aggregate classification.

NM_152419.3(HGSNAT):c.1723C>T (p.Pro575Ser)

Gene: HGSNAT (heparan-alpha-glucosaminide N-acetyltransferase; plus strand). Cytogenetic location: 8p11.21.
Variant type: single nucleotide variant.
Coding change: c.1723C>T on transcript NM_152419.3 (MANE Select); coding-DNA position 1723, C replaced by T.
Protein change: p.Pro575Ser; replaces proline 575 with serine.
Molecular consequence: missense variant.
Genome position (GRCh38, 1-based): chr8:43,197,949, C>T. VCF-style: chr8-43197949-C-T. GRCh37 (hg19) VCF-style: chr8-43053092-C-T.
Other names: c.1810C>T, p.Pro604Ser (NM_001363227.2); c.1531C>T, p.Pro511Ser (NM_001363228.2); c.859C>T, p.Pro287Ser (NM_001363229.2); short protein forms P575S, P604S, P511S, P287S.
Identifiers: ClinVar variation 843331 (VCV000843331.5), dbSNP rs754143732, ClinGen allele CA4737003.